The following is an entry in ClinVar:

ClinVar aggregate classification (germline): Benign (1 of 4 stars; one submission).

Conditions:
Succinate-semialdehyde dehydrogenase deficiency (SSADHD). Also called: Succinic Semialdehyde Dehydrogenase Deficiency; 4-HYDROXYBUTYRIC ACIDURIA; GABA METABOLIC DEFECT; SSADH DEFICIENCY. Identifiers: Orphanet 22, MedGen C0268631, MONDO:0010083, OMIM 271980.

Allele frequency attached by ClinVar (database versions not stated): gnomAD 0.02136 and 0.02304; 1000 Genomes Project 0.02276; TOPMed 0.02455; 1000 Genomes Project 30x 0.02530.

Submission:

Illumina Laboratory Services, Illumina
Classification: Benign for Succinate-semialdehyde dehydrogenase deficiency. Last evaluated: 2018-01-12. Review status: criteria provided, single submitter. Criteria: ICSL Variant Classification Criteria 13 December 2019. Collection method: clinical testing. Allele origin: germline.
Comment: This variant was observed in the ICSL laboratory as part of a predisposition screen in an ostensibly healthy population. It had not been previously curated by ICSL or reported in the Human Gene Mutation Database (HGMD: prior to June 1st, 2018), and was therefore a candidate for classification through an automated scoring system. Utilizing variant allele frequency, disease prevalence and penetrance estimates, and inheritance mode, an automated score was calculated to assess if this variant is too frequent to cause the disease. Based on the score and internal cut-off values, a variant classified as benign is not then subjected to further curation. The score for this variant resulted in a classification of benign for this disease.

NM_001080.3(ALDH5A1):c.*1407A>G

Gene: ALDH5A1 (aldehyde dehydrogenase 5 family member A1; plus strand). Cytogenetic location: 6p22.3.
Variant type: single nucleotide variant.
Coding change: c.*1407A>G on transcript NM_001080.3 (MANE Select); 1407 bases downstream of the stop codon, A replaced by G.
Molecular consequence: 3 prime UTR variant.
Genome position (GRCh38, 1-based): chr6:24,535,119, A>G. VCF-style: chr6-24535119-A-G. GRCh37 (hg19) VCF-style: chr6-24535347-A-G.
Other names: c.*1407A>G (NM_001368954.1, NM_170740.1).
Identifiers: ClinVar variation 356170 (VCV000356170.5), dbSNP rs73386199, ClinGen allele CA10626519.